The following is an entry in ClinVar:

ClinVar aggregate classification (germline): Pathogenic. Review status: criteria provided, single submitter (1 of 4 stars). 2 submissions from 2 submitters: Pathogenic (1). 1 of the submissions does not count toward it. Last evaluated 2025-04-23.

Conditions:
Charcot-Marie-Tooth Neuropathy X. Identifiers: MedGen CN118851.
Charcot-Marie-Tooth disease. Also called: Charcot-Marie-Tooth Hereditary Neuropathy; Charcot-Marie-Tooth Neuropathy. Identifiers: Orphanet 166, MedGen C0007959, MONDO:0015626.

Submissions (2):

Labcorp Genetics (formerly Invitae), Labcorp
Classification: Pathogenic for Charcot-Marie-Tooth Neuropathy X. Last evaluated: 2025-04-23. Review status: criteria provided, single submitter. Criteria: Invitae Variant Classification Sherloc (09022015). Collection method: clinical testing. Allele origin: germline.
Comment: This sequence change replaces histidine, which is basic and polar, with tyrosine, which is neutral and polar, at codon 100 of the GJB1 protein (p.His100Tyr). This variant is not present in population databases (gnomAD no frequency). This missense change has been observed in individuals with Charcot-Marie-Tooth disease (PMID: 9452099, 20730878). It has also been observed to segregate with disease in related individuals. ClinVar contains an entry for this variant (Variation ID: 637678). Invitae Evidence Modeling of protein sequence and biophysical properties (such as structural, functional, and spatial information, amino acid conservation, physicochemical variation, residue mobility, and thermodynamic stability) has been performed for this missense variant. However, the output from this modeling did not meet the statistical confidence thresholds required to predict the impact of this variant on GJB1 protein function. This variant disrupts the p.His100 amino acid residue in GJB1. Other variant(s) that disrupt this residue have been determined to be pathogenic (PMID: 24768312). This suggests that this residue is clinically significant, and that variants that disrupt this residue are likely to be disease-causing. For these reasons, this variant has been classified as Pathogenic.

Inherited Neuropathy Consortium
Classification: Uncertain significance for Charcot-Marie-Tooth disease. Review status: no assertion criteria provided. Collection method: literature only. Allele origin: germline. Affected: yes. Not counted in ClinVar's aggregate classification.

Literature cited by the submitters: PubMed 9452099 (cited by Labcorp Genetics (formerly Invitae), Labcorp and Inherited Neuropathy Consortium); PubMed 20730878 (cited by Labcorp Genetics (formerly Invitae), Labcorp); PubMed 24768312 (cited by Labcorp Genetics (formerly Invitae), Labcorp).

NM_000166.6(GJB1):c.298C>T (p.His100Tyr)

Gene: GJB1 (gap junction protein beta 1; plus strand). Cytogenetic location: Xq13.1.
Variant type: single nucleotide variant.
Coding change: c.298C>T on transcript NM_000166.6 (MANE Select); coding-DNA position 298, C replaced by T.
Protein change: p.His100Tyr; replaces histidine 100 with tyrosine.
Molecular consequence: missense variant.
Genome position (GRCh38, 1-based): chrX:71,224,005, C>T. VCF-style: chrX-71224005-C-T. GRCh37 (hg19) VCF-style: chrX-70443855-C-T.
Other names: c.298C>T, p.His100Tyr (NM_001097642.3); short protein forms H100Y.
Identifiers: ClinVar variation 637678 (VCV000637678.5), dbSNP rs1602349131, ClinGen allele CA413501826.